The following is an entry in ClinVar:

NM_006231.4(POLE):c.1608_1609del (p.Glu537fs)

Gene: POLE (DNA polymerase epsilon, catalytic subunit; minus strand). Cytogenetic location: 12q24.33.
Variant type: Deletion.
Coding change: c.1608_1609del on transcript NM_006231.4 (MANE Select); coding-DNA positions 1608 to 1609, 2 bases deleted (TG; older notation c.1608_1609delTG).
Protein change: p.Glu537fs; shifts the reading frame from glutamic acid 537.
Molecular consequence: frameshift variant.
Genome position (GRCh38, 1-based): chr12:132,672,704-132,672,705, CA deleted on the plus strand (TG on the coding strand, the reverse complement: POLE is on the minus strand). VCF-style (leftmost placement, unchanged base first): chr12-132672703-TCA-T. GRCh37 (hg19) VCF-style: chr12-133249289-TCA-T.
Other names: c.1608_1609delTG (NM_006231.4, NM_006231.2); short protein forms E537fs.
Identifiers: ClinVar variation 3907297 (VCV003907297.2).

ClinVar aggregate classification (germline): Conflicting classifications of pathogenicity. Review status: criteria provided, conflicting classifications (1 of 4 stars). 2 submissions from 2 submitters: Pathogenic (1); Uncertain significance (1). Last evaluated 2025-09-26.

Conditions:
Hereditary cancer-predisposing syndrome. Also called: Hereditary Cancer Syndrome; Hereditary neoplastic syndrome; Neoplastic Syndromes, Hereditary; Tumor predisposition. Identifiers: Orphanet 140162, MedGen C0027672, MeSH D009386, MONDO:0015356.
Facial dysmorphism-immunodeficiency-livedo-short stature syndrome. Also called: FILS syndrome; Facial dysmorphism, immunodeficiency, livedo, and short stature. Identifiers: Orphanet 352712, MedGen C3554576, MONDO:0014058, OMIM 615139.

Submissions (2):

Ambry Genetics
Classification: Uncertain significance for Hereditary cancer-predisposing syndrome. Last evaluated: 2025-09-26. Review status: criteria provided, single submitter. Criteria: Ambry Variant Classification Scheme 2023. Collection method: clinical testing. Allele origin: germline.
Comment: The c.1608_1609delTG variant, located in coding exon 15 of the POLE gene, results from a deletion of two nucleotides at nucleotide positions 1608 to 1609, causing a translational frameshift with a predicted alternate stop codon (p.E537Dfs*24). This alteration is expected to result in loss of function by premature protein truncation or nonsense-mediated mRNA decay. Although biallelic loss of function of POLE has been associated with autosomal recessive POLE deficiency, haploinsufficiency of POLE has not been established as a mechanism of disease for POLE-related polymerase proofreading-associated polyposis (PPAP) and POLE-related CMMRD-like syndrome. Based on the supporting evidence, this variant is expected to be causative of POLE deficiency when present along with a second pathogenic variant on the other allele; however, its clinical significance for PPAP and POLE-related CMMRD-like syndrome is unclear.

Women's Health and Genetics/Laboratory Corporation of America, LabCorp
Classification: Pathogenic for Facial dysmorphism-immunodeficiency-livedo-short stature syndrome. Last evaluated: 2025-06-09. Review status: criteria provided, single submitter. Criteria: LabCorp Variant Classification Summary - May 2015. Collection method: clinical testing. Allele origin: germline.
Comment: Variant summary: POLE c.1608_1609delTG (p.Glu537AspfsX24) results in a premature termination codon, predicted to cause a truncation of the encoded protein or absence of the protein due to nonsense mediated decay, which are commonly known mechanisms for disease. The variant allele was found at a frequency of 4e-06 in 250636 control chromosomes. To our knowledge, no occurrence of c.1608_1609delTG in individuals affected with Facial Dysmorphism, Immunodeficiency, Livedo, And Short Stature and no experimental evidence demonstrating its impact on protein function have been reported. No submitters have cited clinical-significance assessments for this variant to ClinVar. Based on the evidence outlined above, the variant was classified as pathogenic.